The following is an entry in ClinVar:

ClinVar aggregate classification (germline): Pathogenic (1 of 4 stars; one submission).

Submission:

Labcorp Genetics (formerly Invitae), Labcorp
Classification: Pathogenic. Last evaluated: 2022-07-01. Review status: criteria provided, single submitter. Criteria: Invitae Variant Classification Sherloc (09022015). Collection method: clinical testing. Allele origin: germline.
Comment: This sequence change creates a premature translational stop signal (p.Leu237*) in the RP2 gene. It is expected to result in an absent or disrupted protein product. Loss-of-function variants in RP2 are known to be pathogenic (PMID: 11992260, 20625056). This variant is not present in population databases (gnomAD no frequency). This variant has not been reported in the literature in individuals affected with RP2-related conditions. For these reasons, this variant has been classified as Pathogenic.

Literature cited by the submitters: PubMed 11992260; PubMed 20625056.

NM_006915.3(RP2):c.710T>G (p.Leu237Ter)

Gene: RP2 (RP2 activator of ARL3 GTPase; plus strand). Cytogenetic location: Xp11.3.
Variant type: single nucleotide variant.
Coding change: c.710T>G on transcript NM_006915.3 (MANE Select); coding-DNA position 710, T replaced by G.
Protein change: p.Leu237Ter; replaces leucine 237 with a stop codon.
Molecular consequence: nonsense.
Genome position (GRCh38, 1-based): chrX:46,854,083, T>G. VCF-style: chrX-46854083-T-G. GRCh37 (hg19) VCF-style: chrX-46713518-T-G.
Other names: short protein forms L237*.
Identifiers: ClinVar variation 2013056 (VCV002013056.4), dbSNP rs2519914870, ClinGen allele CA413040545.